The following is an entry in ClinVar:

NM_003403.5(YY1):c.904-4T>C

Gene: YY1 (YY1 transcription factor; plus strand). Cytogenetic location: 14q32.2.
Variant type: single nucleotide variant.
Coding change: c.904-4T>C on transcript NM_003403.5 (MANE Select); 4 bases into the intron before coding-DNA position 904, T replaced by C.
Molecular consequence: intron variant.
Genome position (GRCh38, 1-based): chr14:100,276,486, T>C. VCF-style: chr14-100276486-T-C. GRCh37 (hg19) VCF-style: chr14-100742823-T-C.
Identifiers: ClinVar variation 3031423 (VCV003031423.3), dbSNP rs746419490, ClinGen allele CA7344104.

ClinVar aggregate classification (germline): Likely benign. Review status: criteria provided, single submitter (1 of 4 stars). 2 submissions from 2 submitters: Likely benign (1). 1 of the submissions does not count toward it. Last evaluated 2024-04-19.

Conditions:
YY1-related disorder. Also called: YY1-related condition.

Allele frequency attached by ClinVar (database versions not stated): ExAC 0.00002; gnomAD 0.00002; TOPMed 0.00002; gnomAD exomes 0.00003.
gnomAD v4.1: 46 of 1,614,098 alleles (0.0028%); highest among the groups gnomAD compares: Non-Finnish European, 0.0031%; no homozygotes.

Submissions (2):

Blueprint Genetics
Classification: Likely benign. Last evaluated: 2024-04-19. Review status: criteria provided, single submitter. Criteria: ACMG Guidelines, 2015. Collection method: clinical testing. Allele origin: germline.

PreventionGenetics, part of Exact Sciences
Classification: Likely benign for YY1-related condition. Last evaluated: 2022-05-10. Review status: no assertion criteria provided. Collection method: clinical testing. Allele origin: germline. Not counted in ClinVar's aggregate classification.
Comment: This variant is classified as likely benign based on ACMG/AMP sequence variant interpretation guidelines (Richards et al. 2015 PMID: 25741868, with internal and published modifications).